The following is an entry in ClinVar:

ClinVar aggregate classification (germline): Uncertain significance. Review status: criteria provided, multiple submitters, no conflicts (2 of 4 stars). 2 submissions from 2 submitters: Uncertain significance (2). Last evaluated 2023-03-06.

Allele frequency attached by ClinVar (database versions not stated): gnomAD exomes below 0.00001; gnomAD 0.00001; TOPMed 0.00003.
gnomAD v4.1: 5 of 1,611,702 alleles (0.00031%); highest among the groups gnomAD compares: African/African-American, 0.0013%; no homozygotes.

Submissions (2):

GeneDx
Classification: Uncertain significance. Last evaluated: 2023-03-06. Review status: criteria provided, single submitter. Criteria: GeneDx Variant Classification Process June 2021. Collection method: clinical testing. Allele origin: germline. Affected: yes.
Comment: Has not been previously published as pathogenic or benign to our knowledge; Not observed at significant frequency in large population cohorts (gnomAD); In silico analysis supports that this missense variant does not alter protein structure/function

Eurofins Ntd Llc (ga)
Classification: Uncertain significance. Last evaluated: 2017-02-08. Review status: criteria provided, single submitter. Criteria: EGL Classification Definitions 2015. Collection method: clinical testing. Allele origin: germline. Observed: 1 variant allele, 1 heterozygote.

NM_201384.3(PLEC):c.12958G>A (p.Gly4320Ser)

Gene: PLEC (plectin; minus strand). Cytogenetic location: 8q24.3.
Variant type: single nucleotide variant.
Coding change: c.12958G>A on transcript NM_201384.3 (MANE Select); coding-DNA position 12958, G replaced by A.
Protein change: p.Gly4320Ser; replaces glycine 4320 with serine.
Molecular consequence: missense variant.
Genome position (GRCh38, 1-based): chr8:143,916,863, C>T on the plus strand (G>A on the coding strand, the complement: PLEC is on the minus strand). VCF-style: chr8-143916863-C-T. GRCh37 (hg19) VCF-style: chr8-144991031-C-T.
Other names: c.13039G>A, p.Gly4347Ser (NM_000445.5); c.12916G>A, p.Gly4306Ser (NM_201378.4); c.12892G>A, p.Gly4298Ser (NM_201379.3); c.13369G>A, p.Gly4457Ser (NM_201380.4); c.12862G>A, p.Gly4288Ser (NM_201381.3); c.12958G>A, p.Gly4320Ser (NM_201382.4); c.12970G>A, p.Gly4324Ser (NM_201383.3); c.13039G>A (NM_000445.3); short protein forms G4288S, G4298S, G4306S, G4320S, G4324S, G4347S, G4457S.
Identifiers: ClinVar variation 500398 (VCV000500398.6), dbSNP rs1393023116, ClinGen allele CA372477712.